The following is an entry in ClinVar:

ClinVar aggregate classification (germline): Uncertain significance (1 of 4 stars; one submission).

Conditions:
Familial cancer of breast. Also called: Hereditary breast cancer; hereditary breast carcinoma; BREAST CANCER, FAMILIAL. Identifiers: Orphanet 227535, MedGen C0346153, MONDO:0016419, OMIM 114480. Disease mechanism: loss of function.
Fanconi anemia complementation group J. Also called: BRIP1-Related Fanconi Anemia. Identifiers: Orphanet 84, MedGen C1836860, MONDO:0012187, OMIM 609054.

Submission:

Labcorp Genetics (formerly Invitae), Labcorp
Classification: Uncertain significance for Familial cancer of breast; Fanconi anemia complementation group J. Last evaluated: 2021-02-09. Review status: criteria provided, single submitter. Criteria: Invitae Variant Classification Sherloc (09022015). Collection method: clinical testing. Allele origin: germline.
Comment: In summary, the available evidence is currently insufficient to determine the role of this variant in disease. Therefore, it has been classified as a Variant of Uncertain Significance. Algorithms developed to predict the effect of missense changes on protein structure and function (SIFT, PolyPhen-2, Align-GVGD) all suggest that this variant is likely to be disruptive, but these predictions have not been confirmed by published functional studies and their clinical significance is uncertain. This variant has not been reported in the literature in individuals with BRIP1-related conditions. This variant is not present in population databases (ExAC no frequency). This sequence change replaces valine with glycine at codon 341 of the BRIP1 protein (p.Val341Gly). The valine residue is highly conserved and there is a moderate physicochemical difference between valine and glycine.

NM_032043.3(BRIP1):c.1022T>G (p.Val341Gly)

Gene: BRIP1 (BRCA1 interacting DNA helicase 1; minus strand). Cytogenetic location: 17q23.2.
Variant type: single nucleotide variant.
Coding change: c.1022T>G on transcript NM_032043.3 (MANE Select); coding-DNA position 1022, T replaced by G.
Protein change: p.Val341Gly; replaces valine 341 with glycine.
Molecular consequence: missense variant.
Genome position (GRCh38, 1-based): chr17:61,801,371, A>C on the plus strand (T>G on the coding strand, the complement: BRIP1 is on the minus strand). VCF-style: chr17-61801371-A-C. GRCh37 (hg19) VCF-style: chr17-59878732-A-C.
Other names: short protein forms V341G.
Identifiers: ClinVar variation 1408064 (VCV001408064.9), dbSNP rs2145337483, ClinGen allele CA400484093.
Genomic context (GRCh38, chr17:61,801,371, plus strand): 5'-TCTTGTATTAGTTCTCGGGCTGTGTAATATGGACAGGCCTTTAGTTTCTTCCCCAGGCTG[A>C]CAAGTTCTTCTATATCCCAGGCTTTGCACATCCCTTGGAAAGTCTGTAATGTGTGCTGAT-3'
Protein context (NP_114432.2, residues 331-351): MCKAWDIEEL[Val341Gly]SLGKKLKACP